The following is an entry in ClinVar:

ClinVar aggregate classification (germline): Uncertain significance (1 of 4 stars; one submission).

Conditions:
Catecholaminergic polymorphic ventricular tachycardia 1. Also called: VENTRICULAR TACHYCARDIA, CATECHOLAMINERGIC POLYMORPHIC, 1, WITH OR WITHOUT ATRIAL DYSFUNCTION AND/OR DILATED CARDIOMYOPATHY; RYR2-Related Catecholaminergic Polymorphic Ventricular Tachycardia; VENTRICULAR TACHYCARDIA, STRESS-INDUCED POLYMORPHIC 1. Identifiers: Orphanet 3286, MedGen C1631597, MONDO:0011484, OMIM 604772.

Submission:

Labcorp Genetics (formerly Invitae), Labcorp
Classification: Uncertain significance for Catecholaminergic polymorphic ventricular tachycardia 1. Last evaluated: 2020-11-11. Review status: criteria provided, single submitter. Criteria: Invitae Variant Classification Sherloc (09022015). Collection method: clinical testing. Allele origin: germline.
Comment: This sequence change replaces asparagine with lysine at codon 229 of the CASQ2 protein (p.Asn229Lys). The asparagine residue is weakly conserved and there is a moderate physicochemical difference between asparagine and lysine. This variant is not present in population databases (ExAC no frequency). This variant has not been reported in the literature in individuals with CASQ2-related conditions. Algorithms developed to predict the effect of missense changes on protein structure and function (SIFT, PolyPhen-2, Align-GVGD) all suggest that this variant is likely to be tolerated, but these predictions have not been confirmed by published functional studies and their clinical significance is uncertain. Algorithms developed to predict the effect of sequence changes on RNA splicing suggest that this variant may create or strengthen a splice site, but this prediction has not been confirmed by published transcriptional studies. In summary, the available evidence is currently insufficient to determine the role of this variant in disease. Therefore, it has been classified as a Variant of Uncertain Significance.

NM_001232.4(CASQ2):c.687C>G (p.Asn229Lys)

Gene: CASQ2 (calsequestrin 2; minus strand). Cytogenetic location: 1p13.1.
Variant type: single nucleotide variant.
Coding change: c.687C>G on transcript NM_001232.4 (MANE Select); coding-DNA position 687, C replaced by G.
Protein change: p.Asn229Lys; replaces asparagine 229 with lysine.
Molecular consequence: missense variant.
Genome position (GRCh38, 1-based): chr1:115,727,042, G>C on the plus strand (C>G on the coding strand, the complement: CASQ2 is on the minus strand). VCF-style: chr1-115727042-G-C. GRCh37 (hg19) VCF-style: chr1-116269663-G-C.
Other names: short protein forms N229K.
Identifiers: ClinVar variation 1483295 (VCV001483295.9), dbSNP rs2101079130, ClinGen allele CA341768724.
Genomic context (GRCh38, chr1:115,727,042, plus strand): 5'-TCTCAGGCACCTTTGGTGTTCCTTCACAAACTCCACCAGCTCCTCTTCTGTGTAAGGTTT[G>C]TTGGGGATGGCAATGGGCTCATCCATAAATGGCTCATAGAAGTCAACCTCATTCATCTTC-3'
Protein context (NP_001223.2, residues 219-239): PFMDEPIAIP[Asn229Lys]KPYTEEELVE